The following is an entry in ClinVar:

NM_004329.3(BMPR1A):c.1194G>A (p.Leu398=)

Gene: BMPR1A (bone morphogenetic protein receptor type 1A; plus strand). Cytogenetic location: 10q23.2.
Variant type: single nucleotide variant.
Coding change: c.1194G>A on transcript NM_004329.3 (MANE Select); coding-DNA position 1194, G replaced by A.
Protein change: p.Leu398=; no amino-acid change (leucine 398 retained).
Molecular consequence: synonymous variant. On other transcripts: non-coding transcript variant (3).
Genome position (GRCh38, 1-based): chr10:86,921,547, G>A. VCF-style: chr10-86921547-G-A. GRCh37 (hg19) VCF-style: chr10-88681304-G-A.
Other names: c.1194G>A, p.Leu398= (NM_001406574.1, NM_001406575.1, NM_001406576.1 and 19 more transcripts); c.1188G>A, p.Leu396= (NM_001406583.1); c.1110G>A, p.Leu370= (NM_001406584.1, NM_001406585.1, NM_001406586.1 and 2 more transcripts); c.852G>A, p.Leu284= (NM_001406589.1); c.1269G>A, p.Leu423= (NM_001406559.1); c.1242G>A, p.Leu414= (NM_001406560.1).
Identifiers: ClinVar variation 3378486 (VCV003378486.3).
Genomic context (GRCh38, chr10:86,921,547, plus strand): 5'-CTCAACTTGGACCTTGGCTTTCTTTTGTTTCAGTGACACAAATGAAGTTGATGTGCCCTT[G>A]AATACCAGGGTGGGCACCAAACGCTACATGGCTCCCGAAGTGCTGGACGAAAGCCTGAAC-3'
Protein context (NP_004320.2, residues 388-408): NSDTNEVDVP[Leu398=]NTRVGTKRYM

ClinVar aggregate classification (germline): Benign/Likely benign. Review status: criteria provided, multiple submitters, no conflicts (2 of 4 stars). 2 submissions from 2 submitters: Benign (1); Likely benign (1). Last evaluated 2025-01-19.

Conditions:
Juvenile polyposis syndrome (JPS). Identifiers: Orphanet 2929, MedGen C0345893, MONDO:0017380, OMIM 174900.

gnomAD v4.1: 1 of 1,614,042 alleles (0.000062%); highest among the groups gnomAD compares: Non-Finnish European, 0.000085%; no homozygotes.

Submissions (2):

Labcorp Genetics (formerly Invitae), Labcorp
Classification: Likely benign for Juvenile polyposis syndrome. Last evaluated: 2025-01-19. Review status: criteria provided, single submitter. Criteria: Invitae Variant Classification Sherloc (09022015). Collection method: clinical testing. Allele origin: germline.

Myriad Genetics, Inc.
Classification: Benign for Juvenile polyposis syndrome. Last evaluated: 2024-08-07. Review status: criteria provided, single submitter. Criteria: Myriad Autosomal Dominant, Autosomal Recessive and X-Linked Classification Criteria (2023). Collection method: clinical testing. Allele origin: unknown.
Comment: This variant is considered benign. This variant is a silent/synonymous amino acid change and it is not expected to impact splicing.